The following is an entry in ClinVar:

ClinVar aggregate classification (germline): Uncertain significance (1 of 4 stars; one submission).

Allele frequency attached by ClinVar (database versions not stated): gnomAD exomes below 0.00001.
gnomAD v4.1: 1 of 1,613,798 alleles (0.000062%); highest among the groups gnomAD compares: Non-Finnish European, 0.000085%; no homozygotes.

Submission:

Labcorp Genetics (formerly Invitae), Labcorp
Classification: Uncertain significance. Last evaluated: 2023-12-01. Review status: criteria provided, single submitter. Criteria: Invitae Variant Classification Sherloc (09022015). Collection method: clinical testing. Allele origin: germline.
Comment: This sequence change replaces serine, which is neutral and polar, with phenylalanine, which is neutral and non-polar, at codon 1991 of the POLE protein (p.Ser1991Phe). This variant is not present in population databases (gnomAD no frequency). This variant has not been reported in the literature in individuals affected with POLE-related conditions. ClinVar contains an entry for this variant (Variation ID: 1500275). An algorithm developed to predict the effect of missense changes on protein structure and function (PolyPhen-2) suggests that this variant is likely to be disruptive. In summary, the available evidence is currently insufficient to determine the role of this variant in disease. Therefore, it has been classified as a Variant of Uncertain Significance.

NM_006231.4(POLE):c.5972C>T (p.Ser1991Phe)

Gene: POLE (DNA polymerase epsilon, catalytic subunit; minus strand). Cytogenetic location: 12q24.33.
Variant type: single nucleotide variant.
Coding change: c.5972C>T on transcript NM_006231.4 (MANE Select); coding-DNA position 5972, C replaced by T.
Protein change: p.Ser1991Phe; replaces serine 1991 with phenylalanine.
Molecular consequence: missense variant.
Genome position (GRCh38, 1-based): chr12:132,634,218, G>A on the plus strand (C>T on the coding strand, the complement: POLE is on the minus strand). VCF-style: chr12-132634218-G-A. GRCh37 (hg19) VCF-style: chr12-133210804-G-A.
Other names: short protein forms S1991F.
Identifiers: ClinVar variation 1500275 (VCV001500275.8), dbSNP rs1593711899, ClinGen allele CA387371473.